The following is an entry in ClinVar:

NM_001166114.2(PNPLA6):c.1655A>C (p.Gln552Pro)

Gene: PNPLA6 (patatin like domain 6, lysophospholipase; plus strand). Cytogenetic location: 19p13.2.
Variant type: single nucleotide variant.
Coding change: c.1655A>C on transcript NM_001166114.2 (MANE Select); coding-DNA position 1655, A replaced by C.
Protein change: p.Gln552Pro; replaces glutamine 552 with proline.
Molecular consequence: missense variant.
Genome position (GRCh38, 1-based): chr19:7,549,953, A>C. VCF-style: chr19-7549953-A-C. GRCh37 (hg19) VCF-style: chr19-7614839-A-C.
Other names: c.1682A>C, p.Gln561Pro (NM_001166111.2); c.1460A>C, p.Gln487Pro (NM_001166112.2); c.1538A>C, p.Gln513Pro (NM_001166113.1, NM_006702.5); short protein forms Q487P, Q513P, Q552P, Q561P.
Identifiers: ClinVar variation 3068594 (VCV003068594.1), dbSNP rs2512532022, ClinGen allele CA403119302.
Genomic context (GRCh38, chr19:7,549,953, plus strand): 5'-CCCTGCCCGCACAGGACGTGAGCCTGCACTTCGTGCTCTGGGGCTGCCTGCACGTGTACC[A>C]GCGCATGATCGACAAGGCGGAGGACGTGTGCCTGTTCGTAGCGCAGCCCGGGGAACTGGT-3'
Protein context (NP_001159586.1, residues 542-562): FVLWGCLHVY[Gln552Pro]RMIDKAEDVC

ClinVar aggregate classification (germline): Uncertain significance (1 of 4 stars; one submission).

Conditions:
Cerebellar ataxia-hypogonadism syndrome. Also called: Gordon Holmes syndrome; Luteinizing hormone releasing hormone, deficiency of with ataxia; Cerebellar ataxia hypogonadotropic hypogonadism; LHRH DEFICIENCY AND ATAXIA; CEREBELLAR ATAXIA AND HYPOGONADOTROPIC HYPOGONADISM. Identifiers: Orphanet 1173, MedGen C1859305, MONDO:0008935, OMIM 212840.

Submission:

Molecular Genetics, Royal Melbourne Hospital
Classification: Uncertain significance for Cerebellar ataxia-hypogonadism syndrome. Last evaluated: 2023-06-15. Review status: criteria provided, single submitter. Criteria: ACMG Guidelines, 2015. Collection method: clinical testing. Allele origin: germline. Inheritance: Autosomal recessive inheritance.
Comment: This sequence change in PNPLA6 is predicted to replace glutamine with proline at codon 552, p.(Gln552Pro). The glutamine residue is highly conserved (98/98 vertebrates, UCSC), and is located in the cyclic-nucleotide binding domain. There is a moderate physicochemical difference between glutamine and proline. This variant is absent from the population database gnomAD v2.1 and v3.1. To our knowledge, this variant has not been reported previously. Multiple lines of computational evidence predict a deleterious effect for the missense substitution (5/5 algorithms). Based on the classification scheme RMH Modified ACMG Guidelines v1.5.1, this variant is classified as a VARIANT OF UNCERTAIN SIGNIFICANCE. Following criteria are met: PM2_Supporting, PP3.